The following is an entry in ClinVar:

NM_001098.3(ACO2):c.1864A>G (p.Ile622Val)

Genes: ACO2 (aconitase 2; plus strand), POLR3H (RNA polymerase III subunit H; minus strand). Cytogenetic location: 22q13.2.
Variant type: single nucleotide variant.
Coding change: c.1864A>G on transcript NM_001098.3 (MANE Select); coding-DNA position 1864, A replaced by G.
Protein change: p.Ile622Val; replaces isoleucine 622 with valine.
Molecular consequence: missense variant. On other transcripts: 3 prime UTR variant (5).
Genome position (GRCh38, 1-based): chr22:41,526,364, A>G. VCF-style: chr22-41526364-A-G. GRCh37 (hg19) VCF-style: chr22-41922368-A-G.
Other names: c.*2919T>C (NM_001018050.4, NM_001018052.4, NM_001282884.2 and 2 more transcripts); short protein forms I622V.
Identifiers: ClinVar variation 2092488 (VCV002092488.4), dbSNP rs2066596135, ClinGen allele CA411728441.

ClinVar aggregate classification (germline): Uncertain significance (1 of 4 stars; one submission).

Allele frequency attached by ClinVar (database versions not stated): gnomAD 0.00001.
gnomAD v4.1: 1 of 1,613,626 alleles (0.000062%); highest among the groups gnomAD compares: African/African-American, 0.0013%; no homozygotes.

Submission:

Labcorp Genetics (formerly Invitae), Labcorp
Classification: Uncertain significance. Last evaluated: 2022-02-03. Review status: criteria provided, single submitter. Criteria: Invitae Variant Classification Sherloc (09022015). Collection method: clinical testing. Allele origin: germline.
Comment: This variant is not present in population databases (gnomAD no frequency). This variant has not been reported in the literature in individuals affected with ACO2-related conditions. Algorithms developed to predict the effect of missense changes on protein structure and function (SIFT, PolyPhen-2, Align-GVGD) all suggest that this variant is likely to be tolerated. In summary, the available evidence is currently insufficient to determine the role of this variant in disease. Therefore, it has been classified as a Variant of Uncertain Significance. This sequence change replaces isoleucine, which is neutral and non-polar, with valine, which is neutral and non-polar, at codon 622 of the ACO2 protein (p.Ile622Val).